The following is an entry in ClinVar:

ClinVar aggregate classification (germline): Conflicting classifications of pathogenicity. Review status: criteria provided, conflicting classifications (1 of 4 stars). 6 submissions from 6 submitters: Uncertain significance (2); Likely benign (4). Last evaluated 2026-01-21.

Conditions:
Hereditary cancer. Identifiers: MedGen C1333600.
Beckwith-Wiedemann syndrome (BWS). Also called: EMG SYNDROME; Exomphalos macroglossia gigantism syndrome. Identifiers: Orphanet 116, MedGen C0004903, MONDO:0007534, OMIM 130650.

Submissions (6):

Labcorp Genetics (formerly Invitae), Labcorp
Classification: Likely benign for Beckwith-Wiedemann syndrome. Last evaluated: 2026-01-21. Review status: criteria provided, single submitter. Criteria: Invitae Variant Classification Sherloc (09022015). Collection method: clinical testing. Allele origin: germline.

Dasa
Classification: Likely benign. Last evaluated: 2025-12-18. Review status: criteria provided, single submitter. Criteria: DASA Assertion Criteria. Collection method: clinical testing. Allele origin: germline.
Comment: NM_001122630.2(CDKN1C):c.516_521dup (p.Ala182_Pro183dup) is a sequence variant. The variant is present at low frequency in population datasets. Based on the available data, this variant is classified as likely benign.

Revvity Omics, Revvity
Classification: Uncertain significance. Last evaluated: 2025-08-06. Review status: criteria provided, single submitter. Criteria: ACMG Guidelines, 2015. Collection method: clinical testing. Allele origin: germline.

GeneDx
Classification: Uncertain significance. Last evaluated: 2025-05-20. Review status: criteria provided, single submitter. Criteria: GeneDx Variant Classification Process June 2021. Collection method: clinical testing. Allele origin: germline. Affected: yes.
Comment: In-frame insertion of 2 amino acids in a repetitive region with no known function; Has not been previously published as pathogenic or benign to our knowledge

Blueprint Genetics
Classification: Likely benign. Last evaluated: 2024-09-12. Review status: criteria provided, single submitter. Criteria: ACMG Guidelines, 2015. Collection method: clinical testing. Allele origin: germline.

Mendelics
Classification: Likely benign for Hereditary cancer. Last evaluated: 2024-09-11. Review status: criteria provided, single submitter. Criteria: ACMG Guidelines, 2015. Collection method: clinical testing. Allele origin: unknown.
Comment: This variant is considered likely benign or benign based on one or more of the following: it is predicted to be benign by multiple in silico algorithms, and/or has population frequency not consistent with disease, and/or has normal protein function, and/or has lack of segregation with disease, and/or has been detected in co-occurrence with known pathogenic variant, and/or has lack of disease association in case-control studies, and/or is located in a region inconsistent with a known cause of pathogenicity.

NM_001122630.2(CDKN1C):c.504CCCGGC[4] (p.168AP[9])

Gene: CDKN1C (cyclin dependent kinase inhibitor 1C; minus strand). Cytogenetic location: 11p15.4.
Variant type: Microsatellite.
Coding change: c.504CCCGGC[4] on transcript NM_001122630.2 (MANE Select); four copies in a row of the 6-base unit CCCGGC starting at c.504; the reference has three copies in a row; one copy, 6 bases duplicated; also written c.516_521dup.
Protein change: p.168AP[9].
Molecular consequence: inframe insertion. On other transcripts: intron variant (1).
Genome position (GRCh38, 1-based): chr11:2,884,936-2,884,941, GCCGGG duplicated on the plus strand (CCCGGC on the coding strand, the reverse complement: CDKN1C is on the minus strand); duplicating any 6 consecutive bases within chr11:2,884,936-2,884,956 gives the same sequence; the position shown is the placement nearest the transcript's 3' end. VCF-style (leftmost placement, unchanged base first): chr11-2884935-A-AGCCGGG. GRCh37 (hg19) VCF-style: chr11-2906165-A-AGCCGGG.
Other names: c.549_554dupCCCGGC (NM_000076.2); c.537CCCGGC[4], p.179AP[9] (NM_000076.2, NM_001362474.2); c.504CCCGGC[4], p.168AP[9] (NM_001122631.2); c.255+249CCCGGC[4] (NM_001362475.2); c.549_554dup (NM_000076.2); c.516_521dup (NM_001122630.2).
Identifiers: ClinVar variation 412842 (VCV000412842.19), dbSNP rs878853629, ClinGen allele CA16613580.